The following is an entry in ClinVar:

ClinVar aggregate classification (germline): Uncertain significance. Review status: criteria provided, multiple submitters, no conflicts (2 of 4 stars). 2 submissions from 2 submitters: Uncertain significance (2). Last evaluated 2024-04-30.

Conditions:
Inborn genetic diseases. Identifiers: MedGen C0950123, MeSH D030342.

Allele frequency attached by ClinVar (database versions not stated): gnomAD 0.00001; gnomAD exomes 0.00001.
gnomAD v4.1: 10 of 1,443,078 alleles (0.00069%); highest among the groups gnomAD compares: Admixed American, 0.022%; no homozygotes.

Submissions (2):

GeneDx
Classification: Uncertain significance. Last evaluated: 2024-04-30. Review status: criteria provided, single submitter. Criteria: GeneDx Variant Classification Process June 2021. Collection method: clinical testing. Allele origin: germline. Affected: yes.
Comment: In silico analysis supports that this missense variant does not alter protein structure/function; Has not been previously published as pathogenic or benign to our knowledge

Ambry Genetics
Classification: Uncertain significance for Inborn genetic diseases. Last evaluated: 2022-01-04. Review status: criteria provided, single submitter. Criteria: Ambry Variant Classification Scheme 2023. Collection method: clinical testing. Allele origin: germline.

NM_025216.3(WNT10A):c.946G>A (p.Gly316Arg)

Gene: WNT10A (Wnt family member 10A; plus strand). Cytogenetic location: 2q35.
Variant type: single nucleotide variant.
Coding change: c.946G>A on transcript NM_025216.3 (MANE Select); coding-DNA position 946, G replaced by A.
Protein change: p.Gly316Arg; replaces glycine 316 with arginine.
Molecular consequence: missense variant.
Genome position (GRCh38, 1-based): chr2:218,892,963, G>A. VCF-style: chr2-218892963-G-A. GRCh37 (hg19) VCF-style: chr2-219757685-G-A.
Other names: short protein forms G316R.
Identifiers: ClinVar variation 2345723 (VCV002345723.3), dbSNP rs1336137106, ClinGen allele CA350590318.